The following is an entry in ClinVar:

ClinVar aggregate classification (germline): Likely benign. Review status: criteria provided, multiple submitters, no conflicts (2 of 4 stars). 4 submissions from 4 submitters: Likely benign (3). 1 of the submissions does not count toward it. Last evaluated 2025-08-01.

Conditions:
NDUFV3-related disorder. Also called: NDUFV3-related condition.

Allele frequency attached by ClinVar (database versions not stated): 1000 Genomes Project 0.00339; 1000 Genomes Project 30x 0.00375; ESP Exome Variant Server 0.00384; gnomAD 0.00444 and 0.00469; ExAC 0.00512; TOPMed 0.00544; gnomAD exomes 0.00548 and 0.00569.
gnomAD v4.1: 9,143 of 1,613,980 alleles (0.57%); highest among the groups gnomAD compares: Middle Eastern, 1.6%; 37 homozygotes.

Submissions 1 to 31 of 52:

CeGaT Center for Human Genetics Tuebingen
Classification: Likely benign. Last evaluated: 2025-08-01. Review status: criteria provided, single submitter. Criteria: CeGaT Center For Human Genetics Tuebingen Variant Classification Criteria Version 2. Collection method: clinical testing. Allele origin: germline. Affected: yes. Observed: 2 variant alleles.
Comment: NDUFV3: BP4, BS2

Laboratory for Molecular Medicine, Mass General Brigham Personalized Medicine
Classification: Likely benign. Last evaluated: 2016-03-29. Review status: criteria provided, single submitter. Criteria: LMM Criteria. Collection method: clinical testing. Allele origin: germline.
Comment: Variant identified in a genome or exome case(s) and assessed due to predicted null impact of the variant or pathogenic assertions in the literature or databases. Disclaimer: This variant has not undergone full assessment. The following are preliminary notes: Not reported. No information available. Gene not associated to pt disease.

Breakthrough Genomics
Classification: Likely benign. Review status: criteria provided, single submitter. Criteria: ACMG Guidelines, 2015. Collection method: not provided. Allele origin: germline. Inheritance: Unknown mechanism. Affected: yes.

PreventionGenetics, part of Exact Sciences
Classification: Likely benign for NDUFV3-related condition. Last evaluated: 2024-07-18. Review status: no assertion criteria provided. Collection method: clinical testing. Allele origin: germline. Not counted in ClinVar's aggregate classification.
Comment: This variant is classified as likely benign based on ACMG/AMP sequence variant interpretation guidelines (Richards et al. 2015 PMID: 25741868, with internal and published modifications).

Dr. Peter K. Rogan Lab, Western University
No classification provided (evidence only). Condition: Clear cell carcinoma of kidney. Review status: no classification provided. Collection method: in vitro. Allele origin: not applicable. Functional consequence: retained intron. Not counted in ClinVar's aggregate classification.

Dr. Peter K. Rogan Lab, Western University
No classification provided (evidence only). Condition: Clear cell carcinoma of kidney. Review status: no classification provided. Collection method: in vitro. Allele origin: not applicable. Functional consequence: retained intron. Not counted in ClinVar's aggregate classification.

Dr. Peter K. Rogan Lab, Western University
No classification provided (evidence only). Condition: Lung cancer. Review status: no classification provided. Collection method: in vitro. Allele origin: not applicable. Functional consequence: retained intron. Not counted in ClinVar's aggregate classification.

Dr. Peter K. Rogan Lab, Western University
No classification provided (evidence only). Condition: Melanoma. Review status: no classification provided. Collection method: in vitro. Allele origin: not applicable. Functional consequence: retained intron. Not counted in ClinVar's aggregate classification.

Dr. Peter K. Rogan Lab, Western University
No classification provided (evidence only). Condition: Melanoma. Review status: no classification provided. Collection method: in vitro. Allele origin: not applicable. Functional consequence: retained intron. Not counted in ClinVar's aggregate classification.

Dr. Peter K. Rogan Lab, Western University
No classification provided (evidence only). Condition: Melanoma. Review status: no classification provided. Collection method: in vitro. Allele origin: not applicable. Functional consequence: retained intron. Not counted in ClinVar's aggregate classification.

Dr. Peter K. Rogan Lab, Western University
No classification provided (evidence only). Condition: Familial cancer of breast. Review status: no classification provided. Collection method: in vitro. Allele origin: not applicable. Functional consequence: skipped exon, retained intron. Not counted in ClinVar's aggregate classification.

Dr. Peter K. Rogan Lab, Western University
No classification provided (evidence only). Condition: Acute myeloid leukemia. Review status: no classification provided. Collection method: in vitro. Allele origin: not applicable. Functional consequence: retained intron. Not counted in ClinVar's aggregate classification.

Dr. Peter K. Rogan Lab, Western University
No classification provided (evidence only). Condition: Colon adenocarcinoma. Review status: no classification provided. Collection method: in vitro. Allele origin: not applicable. Functional consequence: retained intron. Not counted in ClinVar's aggregate classification.

Dr. Peter K. Rogan Lab, Western University
No classification provided (evidence only). Condition: Colon adenocarcinoma. Review status: no classification provided. Collection method: in vitro. Allele origin: not applicable. Functional consequence: retained intron. Not counted in ClinVar's aggregate classification.

Dr. Peter K. Rogan Lab, Western University
No classification provided (evidence only). Condition: Colorectal cancer. Review status: no classification provided. Collection method: in vitro. Allele origin: not applicable. Functional consequence: retained intron. Not counted in ClinVar's aggregate classification.

Dr. Peter K. Rogan Lab, Western University
No classification provided (evidence only). Condition: Thyroid cancer, nonmedullary, 1. Review status: no classification provided. Collection method: in vitro. Allele origin: not applicable. Functional consequence: retained intron. Not counted in ClinVar's aggregate classification.

Dr. Peter K. Rogan Lab, Western University
No classification provided (evidence only). Condition: Thyroid cancer, nonmedullary, 1. Review status: no classification provided. Collection method: in vitro. Allele origin: not applicable. Functional consequence: retained intron. Not counted in ClinVar's aggregate classification.

Dr. Peter K. Rogan Lab, Western University
No classification provided (evidence only). Condition: Thyroid cancer, nonmedullary, 1. Review status: no classification provided. Collection method: in vitro. Allele origin: not applicable. Functional consequence: retained intron. Not counted in ClinVar's aggregate classification.

Dr. Peter K. Rogan Lab, Western University
No classification provided (evidence only). Condition: Thyroid cancer, nonmedullary, 1. Review status: no classification provided. Collection method: in vitro. Allele origin: not applicable. Functional consequence: retained intron. Not counted in ClinVar's aggregate classification.

Dr. Peter K. Rogan Lab, Western University
No classification provided (evidence only). Condition: Thyroid cancer, nonmedullary, 1. Review status: no classification provided. Collection method: in vitro. Allele origin: not applicable. Functional consequence: retained intron. Not counted in ClinVar's aggregate classification.

Dr. Peter K. Rogan Lab, Western University
No classification provided (evidence only). Condition: Thyroid cancer, nonmedullary, 1. Review status: no classification provided. Collection method: in vitro. Allele origin: not applicable. Functional consequence: retained intron. Not counted in ClinVar's aggregate classification.

Dr. Peter K. Rogan Lab, Western University
No classification provided (evidence only). Condition: Uterine corpus endometrial carcinoma. Review status: no classification provided. Collection method: in vitro. Allele origin: not applicable. Functional consequence: retained intron. Not counted in ClinVar's aggregate classification.

Dr. Peter K. Rogan Lab, Western University
No classification provided (evidence only). Condition: Uterine corpus endometrial carcinoma. Review status: no classification provided. Collection method: in vitro. Allele origin: not applicable. Functional consequence: retained intron. Not counted in ClinVar's aggregate classification.

Dr. Peter K. Rogan Lab, Western University
No classification provided (evidence only). Condition: Uterine corpus endometrial carcinoma. Review status: no classification provided. Collection method: in vitro. Allele origin: not applicable. Functional consequence: retained intron. Not counted in ClinVar's aggregate classification.

Dr. Peter K. Rogan Lab, Western University
No classification provided (evidence only). Condition: Uterine corpus endometrial carcinoma. Review status: no classification provided. Collection method: in vitro. Allele origin: not applicable. Functional consequence: retained intron. Not counted in ClinVar's aggregate classification.

Dr. Peter K. Rogan Lab, Western University
No classification provided (evidence only). Condition: Cervical cancer. Review status: no classification provided. Collection method: in vitro. Allele origin: not applicable. Functional consequence: retained intron. Not counted in ClinVar's aggregate classification.

Dr. Peter K. Rogan Lab, Western University
No classification provided (evidence only). Condition: Cervical cancer. Review status: no classification provided. Collection method: in vitro. Allele origin: not applicable. Functional consequence: retained intron. Not counted in ClinVar's aggregate classification.

Dr. Peter K. Rogan Lab, Western University
No classification provided (evidence only). Condition: Cervical cancer. Review status: no classification provided. Collection method: in vitro. Allele origin: not applicable. Functional consequence: retained intron. Not counted in ClinVar's aggregate classification.

Dr. Peter K. Rogan Lab, Western University
No classification provided (evidence only). Condition: Sarcoma. Review status: no classification provided. Collection method: in vitro. Allele origin: not applicable. Functional consequence: retained intron. Not counted in ClinVar's aggregate classification.

Dr. Peter K. Rogan Lab, Western University
No classification provided (evidence only). Condition: Sarcoma. Review status: no classification provided. Collection method: in vitro. Allele origin: not applicable. Functional consequence: retained intron. Not counted in ClinVar's aggregate classification.

Dr. Peter K. Rogan Lab, Western University
No classification provided (evidence only). Condition: Sarcoma. Review status: no classification provided. Collection method: in vitro. Allele origin: not applicable. Functional consequence: retained intron. Not counted in ClinVar's aggregate classification.

NM_021075.4(NDUFV3):c.168A>C (p.Lys56Asn)

Gene: NDUFV3 (NADH:ubiquinone oxidoreductase subunit V3; plus strand). Cytogenetic location: 21q22.3.
Variant type: single nucleotide variant.
Coding change: c.168A>C on transcript NM_021075.4 (MANE Select); coding-DNA position 168, A replaced by C.
Protein change: p.Lys56Asn; replaces lysine 56 with asparagine.
Molecular consequence: missense variant.
Genome position (GRCh38, 1-based): chr21:42,897,046, A>C. VCF-style: chr21-42897046-A-C. GRCh37 (hg19) VCF-style: chr21-44317156-A-C.
Other names: c.168A>C, p.Lys56Asn (NM_001001503.2); short protein forms K56N.
Identifiers: ClinVar variation 403223 (VCV000403223.17), dbSNP rs141922962, ClinGen allele CA10046411.